The following is an entry in ClinVar:

NM_001130438.3(SPTAN1):c.5206G>C (p.Asp1736His)

Gene: SPTAN1 (spectrin alpha, non-erythrocytic 1; plus strand). Cytogenetic location: 9q34.11.
Variant type: single nucleotide variant.
Coding change: c.5206G>C on transcript NM_001130438.3 (MANE Select); coding-DNA position 5206, G replaced by C.
Protein change: p.Asp1736His; replaces aspartic acid 1736 with histidine.
Molecular consequence: missense variant.
Genome position (GRCh38, 1-based): chr9:128,615,689, G>C. VCF-style: chr9-128615689-G-C. GRCh37 (hg19) VCF-style: chr9-131377968-G-C.
Other names: c.5131G>C, p.Asp1711His (NM_001195532.2); c.5206G>C, p.Asp1736His (NM_001363759.2); c.5146G>C, p.Asp1716His (NM_001363765.2); c.5191G>C, p.Asp1731His (NM_003127.4); short protein forms D1736H, D1711H, D1716H, D1731H.
Identifiers: ClinVar variation 588856 (VCV000588856.5), dbSNP rs148294757, ClinGen allele CA375074379.

ClinVar aggregate classification (germline): Uncertain significance (1 of 4 stars; one submission).

Conditions:
Inborn genetic diseases. Identifiers: MedGen C0950123, MeSH D030342.

gnomAD v4.1: 1 of 1,614,020 alleles (0.000062%); highest among the groups gnomAD compares: South Asian, 0.0011%; no homozygotes.

Submission:

Ambry Genetics
Classification: Uncertain significance for Inborn genetic diseases. Last evaluated: 2017-04-17. Review status: criteria provided, single submitter. Criteria: Ambry Variant Classification Scheme 2023. Collection method: clinical testing. Allele origin: germline.
Comment: The p.D1736H variant (also known as c.5206G>C), located in coding exon 40 of the SPTAN1 gene, results from a G to C substitution at nucleotide position 5206. The aspartic acid at codon 1736 is replaced by histidine, an amino acid with similar properties. This amino acid position is highly conserved in available vertebrate species. In addition, this alteration is predicted to be deleterious by in silico analysis. Since supporting evidence is limited at this time, the clinical significance of this alteration remains unclear.